The following is an entry in ClinVar:

NM_000810.4(GABRA5):c.1118C>A (p.Ser373Ter)

Gene: GABRA5 (gamma-aminobutyric acid type A receptor subunit alpha5; plus strand). Cytogenetic location: 15q12.
Variant type: single nucleotide variant.
Coding change: c.1118C>A on transcript NM_000810.4 (MANE Select); coding-DNA position 1118, C replaced by A.
Protein change: p.Ser373Ter; replaces serine 373 with a stop codon.
Molecular consequence: nonsense.
Genome position (GRCh38, 1-based): chr15:26,947,962, C>A. VCF-style: chr15-26947962-C-A. GRCh37 (hg19) VCF-style: chr15-27193109-C-A.
Other names: c.1118C>A, p.Ser373Ter (NM_001165037.2); short protein forms S373*.
Identifiers: ClinVar variation 3372197 (VCV003372197.1).
Genomic context (GRCh38, chr15:26,947,962, plus strand): 5'-GCGTGTCCTTACATTCGTATTATATTTTGCAGAAAAAGCGTGAAGTCATACTAAATAAGT[C>A]AACAAACGCTTTTACAACTGGGAAGATGTCTCACCCCCCAAACATTCCGAAGGAACAGAC-3'

ClinVar aggregate classification (germline): Uncertain significance (1 of 4 stars; one submission).

Submission:

GeneDx
Classification: Uncertain significance. Last evaluated: 2024-04-11. Review status: criteria provided, single submitter. Criteria: GeneDx Variant Classification Process June 2021. Collection method: clinical testing. Allele origin: germline. Affected: yes.
Comment: Not observed at significant frequency in large population cohorts (gnomAD); Nonsense variant predicted to result in protein truncation as the last 90 amino acids are lost; Has not been previously published as pathogenic or benign to our knowledge